The following is an entry in ClinVar:

NM_001048174.2(MUTYH):c.164C>T (p.Ser55Leu)

Gene: MUTYH (mutY DNA glycosylase; minus strand). Cytogenetic location: 1p34.1.
Variant type: single nucleotide variant.
Coding change: c.164C>T on transcript NM_001048174.2 (MANE Select); coding-DNA position 164, C replaced by T.
Protein change: p.Ser55Leu; replaces serine 55 with leucine.
Molecular consequence: missense variant. On other transcripts: 5 prime UTR variant (1), non-coding transcript variant (2), intron variant (3).
Genome position (GRCh38, 1-based): chr1:45,333,513, G>A on the plus strand (C>T on the coding strand, the complement: MUTYH is on the minus strand). VCF-style: chr1-45333513-G-A. GRCh37 (hg19) VCF-style: chr1-45799185-G-A.
Other names: c.164C>T, p.Ser55Leu (NM_001048171.2, NM_001048173.2, NM_001293195.2); c.167C>T, p.Ser56Leu (NM_001048172.2); c.248C>T, p.Ser83Leu (NM_001128425.2); c.209C>T, p.Ser70Leu (NM_001293190.2); c.197C>T, p.Ser66Leu (NM_001293191.2); c.-108C>T (NM_001350650.2); c.239C>T, p.Ser80Leu (NM_012222.3); c.-92-16C>T (NM_001350651.2); and 1 more; short protein forms S83L, S70L, S80L, S55L, S56L, S66L.
Identifiers: ClinVar variation 628829 (VCV000628829.13), dbSNP rs370124822, ClinGen allele CA340136530.

ClinVar aggregate classification (germline): Conflicting classifications of pathogenicity. Review status: criteria provided, conflicting classifications (1 of 4 stars). 3 submissions from 3 submitters: Uncertain significance (2); Benign (1). Last evaluated 2025-09-09.

Conditions:
Hereditary cancer-predisposing syndrome. Also called: Neoplastic Syndromes, Hereditary; Hereditary Cancer Syndrome; Tumor predisposition; Hereditary neoplastic syndrome. Identifiers: Orphanet 140162, MedGen C0027672, MeSH D009386, MONDO:0015356.
Familial adenomatous polyposis 2. Also called: COLORECTAL ADENOMATOUS POLYPOSIS, AUTOSOMAL RECESSIVE; ADENOMAS, MULTIPLE COLORECTAL, AUTOSOMAL RECESSIVE; MUTYH-associated polyposis; MUTYH-related attenuated familial adenomatous polyposis; MUTYH Polyposis; Adenomas, multiple colorectal. Identifiers: Orphanet 220460, Orphanet 247798, MedGen C3272841, MONDO:0012041, OMIM 608456.

Submissions (3):

Ambry Genetics
Classification: Benign for Hereditary cancer-predisposing syndrome. Last evaluated: 2025-09-09. Review status: criteria provided, single submitter. Criteria: Ambry Variant Classification Scheme 2023. Collection method: clinical testing. Allele origin: germline.

Color Diagnostics, LLC DBA Color Health
Classification: Uncertain significance for Hereditary cancer-predisposing syndrome. Last evaluated: 2023-12-04. Review status: criteria provided, single submitter. Criteria: ACMG Guidelines, 2015. Collection method: clinical testing. Allele origin: germline.
Comment: This missense variant replaces serine with leucine at codon 83 of the MUTYH protein. Computational prediction suggests that this variant may not impact protein structure and function (internally defined REVEL score threshold <= 0.5, PMID: 27666373). To our knowledge, functional studies have not been reported for this variant. This variant has not been reported in individuals affected with MUTYH-related disorders in the literature. This variant has not been identified in the general population by the Genome Aggregation Database (gnomAD). The available evidence is insufficient to determine the role of this variant in disease conclusively. Therefore, this variant is classified as a Variant of Uncertain Significance.

Labcorp Genetics (formerly Invitae), Labcorp
Classification: Uncertain significance for Familial adenomatous polyposis 2. Last evaluated: 2021-11-20. Review status: criteria provided, single submitter. Criteria: Invitae Variant Classification Sherloc (09022015). Collection method: clinical testing. Allele origin: germline.
Comment: This variant has not been reported in the literature in individuals affected with MUTYH-related conditions. In summary, the available evidence is currently insufficient to determine the role of this variant in disease. Therefore, it has been classified as a Variant of Uncertain Significance. Algorithms developed to predict the effect of missense changes on protein structure and function (SIFT, PolyPhen-2, Align-GVGD) all suggest that this variant is likely to be tolerated. ClinVar contains an entry for this variant (Variation ID: 628829). This variant is not present in population databases (gnomAD no frequency). This sequence change replaces serine, which is neutral and polar, with leucine, which is neutral and non-polar, at codon 83 of the MUTYH protein (p.Ser83Leu).